The following is an entry in ClinVar:

ClinVar aggregate classification (germline): Conflicting classifications of pathogenicity. Review status: criteria provided, conflicting classifications (1 of 4 stars). 2 submissions from 2 submitters: Uncertain significance (1); Likely benign (1). Last evaluated 2025-06-18.

Conditions:
Hereditary cancer-predisposing syndrome. Also called: Hereditary Cancer Syndrome; Tumor predisposition; Neoplastic Syndromes, Hereditary; Hereditary neoplastic syndrome. Identifiers: Orphanet 140162, MedGen C0027672, MeSH D009386, MONDO:0015356.

Submissions (2):

Ambry Genetics
Classification: Uncertain significance for Hereditary cancer-predisposing syndrome. Last evaluated: 2025-06-18. Review status: criteria provided, single submitter. Criteria: Ambry Variant Classification Scheme 2023. Collection method: clinical testing. Allele origin: germline.
Comment: The c.6207G>A variant (also known as p.K2069K), located in coding exon 45 of the POLE gene, results from a G to A substitution at nucleotide position 6207. This nucleotide substitution does not change the lysine at codon 2069. This nucleotide position is not well conserved in available vertebrate species. In silico splice site analysis for this alteration is inconclusive. Based on the available evidence, the clinical significance of this variant remains unclear.

Labcorp Genetics (formerly Invitae), Labcorp
Classification: Likely benign. Last evaluated: 2024-06-18. Review status: criteria provided, single submitter. Criteria: Invitae Variant Classification Sherloc (09022015). Collection method: clinical testing. Allele origin: germline.

NM_006231.4(POLE):c.6207G>A (p.Lys2069=)

Gene: POLE (DNA polymerase epsilon, catalytic subunit; minus strand). Cytogenetic location: 12q24.33.
Variant type: single nucleotide variant.
Coding change: c.6207G>A on transcript NM_006231.4 (MANE Select); coding-DNA position 6207, G replaced by A.
Protein change: p.Lys2069=; no amino-acid change (lysine 2069 retained).
Molecular consequence: synonymous variant.
Genome position (GRCh38, 1-based): chr12:132,632,438, C>T on the plus strand (G>A on the coding strand, the complement: POLE is on the minus strand). VCF-style: chr12-132632438-C-T. GRCh37 (hg19) VCF-style: chr12-133209024-C-T.
Other names: c.6207G>A (NM_006231.2).
Identifiers: ClinVar variation 2728321 (VCV002728321.4), dbSNP rs1593708047, ClinGen allele CA482848771.